The following is an entry in ClinVar:

NM_003690.5(PRKRA):c.685C>T (p.Leu229=)

Genes: CHROMR (cholesterol induced regulator of metabolism RNA; plus strand), PRKRA (protein activator of interferon induced protein kinase EIF2AK2; minus strand). Cytogenetic location: 2q31.2.
Variant type: single nucleotide variant.
Coding change: c.685C>T on transcript NM_003690.5 (MANE Select); coding-DNA position 685, C replaced by T.
Protein change: p.Leu229=; no amino-acid change (leucine 229 retained).
Molecular consequence: synonymous variant.
Genome position (GRCh38, 1-based): chr2:178,436,244, G>A on the plus strand (C>T on the coding strand, the complement: PRKRA is on the minus strand). VCF-style: chr2-178436244-G-A. GRCh37 (hg19) VCF-style: chr2-179300971-G-A.
Other names: p.Leu229=; c.652C>T, p.Leu218= (NM_001139517.2); c.610C>T, p.Leu204= (NM_001139518.2); c.346C>T, p.Leu116= (NM_001316362.2).
Identifiers: ClinVar variation 332623 (VCV000332623.21), dbSNP rs62176107, ClinGen allele CA1983794.

ClinVar aggregate classification (germline): Benign/Likely benign. Review status: criteria provided, multiple submitters, no conflicts (2 of 4 stars). 8 submissions from 8 submitters: Benign (5); Likely benign (1). 2 of the submissions do not count toward it. Last evaluated 2024-11-26.

Conditions:
Dystonia 16 (DYT16). Also called: DYT-PRKRA. Identifiers: Orphanet 210571, MedGen C2677567, MONDO:0012789, OMIM 612067.

Allele frequency attached by ClinVar (database versions not stated): gnomAD 0.22118 and 0.22247; 1000 Genomes Project 30x 0.23001; ExAC 0.24196.

Submissions (8):

Blueprint Genetics
Classification: Likely benign. Last evaluated: 2024-11-26. Review status: criteria provided, single submitter. Criteria: ACMG Guidelines, 2015. Collection method: clinical testing. Allele origin: germline.

Labcorp Genetics (formerly Invitae), Labcorp
Classification: Benign for Dystonia 16. Last evaluated: 2024-02-17. Review status: criteria provided, single submitter. Criteria: Invitae Variant Classification Sherloc (09022015). Collection method: clinical testing. Allele origin: germline.

Mayo Clinic Laboratories, Mayo Clinic
Classification: Benign. Last evaluated: 2023-01-06. Review status: criteria provided, single submitter. Criteria: ACMG Guidelines, 2015. Collection method: clinical testing. Allele origin: germline. Observed: 324 variant alleles.
Comment: BA1

GeneDx
Classification: Benign. Last evaluated: 2018-07-09. Review status: criteria provided, single submitter. Criteria: GeneDx Variant Classification Process June 2021. Collection method: clinical testing. Allele origin: germline. Affected: yes.

Illumina Laboratory Services, Illumina
Classification: Benign for Dystonia 16. Last evaluated: 2018-01-12. Review status: criteria provided, single submitter. Criteria: ICSL Variant Classification Criteria 13 December 2019. Collection method: clinical testing. Allele origin: germline.
Comment: This variant was observed in the ICSL laboratory as part of a predisposition screen in an ostensibly healthy population. It had not been previously curated by ICSL or reported in the Human Gene Mutation Database (HGMD: prior to June 1st, 2018), and was therefore a candidate for classification through an automated scoring system. Utilizing variant allele frequency, disease prevalence and penetrance estimates, and inheritance mode, an automated score was calculated to assess if this variant is too frequent to cause the disease. Based on the score and internal cut-off values, a variant classified as benign is not then subjected to further curation. The score for this variant resulted in a classification of benign for this disease.

Breakthrough Genomics
Classification: Benign. Review status: criteria provided, single submitter. Criteria: ACMG Guidelines, 2015. Collection method: not provided. Allele origin: germline. Inheritance: Autosomal recessive inheritance. Affected: yes.

Clinical Genetics DNA and cytogenetics Diagnostics Lab, Erasmus MC, Erasmus Medical Center
Classification: Likely benign. Review status: no assertion criteria provided. Collection method: clinical testing. Allele origin: germline. Affected: yes. Study: VKGL Data-share Consensus. Not counted in ClinVar's aggregate classification.

Genome Diagnostics Laboratory, Amsterdam University Medical Center
Classification: Likely benign. Review status: no assertion criteria provided. Collection method: clinical testing. Allele origin: germline. Affected: yes. Study: VKGL Data-share Consensus. Not counted in ClinVar's aggregate classification.